The following is an entry in ClinVar:

ClinVar aggregate classification (germline): Uncertain significance. Review status: criteria provided, multiple submitters, no conflicts (2 of 4 stars). 2 submissions from 2 submitters: Uncertain significance (2). Last evaluated 2024-11-19.

Conditions:
Hereditary cancer-predisposing syndrome. Also called: Hereditary Cancer Syndrome; Tumor predisposition; Hereditary neoplastic syndrome; Neoplastic Syndromes, Hereditary. Identifiers: Orphanet 140162, MedGen C0027672, MeSH D009386, MONDO:0015356.

Submissions (2):

Quest Diagnostics Nichols Institute San Juan Capistrano
Classification: Uncertain significance. Last evaluated: 2024-11-19. Review status: criteria provided, single submitter. Criteria: Quest Diagnostics criteria. Collection method: clinical testing. Allele origin: unknown.
Comment: The BRCA1 c.2996T>C (p.Leu999Pro) variant has not been reported in individuals with BRCA1-related conditions in the published literature. The frequency of this variant in the general population, 0.000004 (1/250578 chromosomes (Genome Aggregation Database)), is uninformative in the assessment of its pathogenicity. Analysis of this variant using bioinformatics tools for the prediction of the effect of amino acid changes on protein structure and function yielded predictions that this variant is benign. Based on the available information, we are unable to determine the clinical significance of this variant.

Ambry Genetics
Classification: Uncertain significance for Hereditary cancer-predisposing syndrome. Last evaluated: 2024-04-24. Review status: criteria provided, single submitter. Criteria: Ambry Variant Classification Scheme 2023. Collection method: clinical testing. Allele origin: germline.
Comment: The p.L999P variant (also known as c.2996T>C), located in coding exon 9 of the BRCA1 gene, results from a T to C substitution at nucleotide position 2996. The leucine at codon 999 is replaced by proline, an amino acid with similar properties. This amino acid position is poorly conserved in available vertebrate species. In addition, this alteration is predicted to be tolerated by in silico analysis. Based on the available evidence, the clinical significance of this variant remains unclear.

NM_007294.4(BRCA1):c.2996T>C (p.Leu999Pro)

Gene: BRCA1 (BRCA1 DNA repair associated; minus strand). Cytogenetic location: 17q21.31.
Variant type: single nucleotide variant.
Coding change: c.2996T>C on transcript NM_007294.4 (MANE Select); coding-DNA position 2996, T replaced by C.
Protein change: p.Leu999Pro; replaces leucine 999 with proline.
Molecular consequence: missense variant. On other transcripts: intron variant (137).
Genome position (GRCh38, 1-based): chr17:43,092,535, A>G on the plus strand (T>C on the coding strand, the complement: BRCA1 is on the minus strand). VCF-style: chr17-43092535-A-G. GRCh37 (hg19) VCF-style: chr17-41244552-A-G.
Other names: c.2783T>C, p.Leu928Pro (NM_001407897.1, NM_001407898.1, NM_001407899.1 and 9 more transcripts); c.2786T>C, p.Leu929Pro (NM_001407900.1, NM_001407902.1, NM_001407907.1 and 13 more transcripts); c.2873T>C, p.Leu958Pro (NM_001407683.1, NM_001407863.1, NM_001407919.1 and 19 more transcripts); c.2996T>C, p.Leu999Pro (NM_001407684.1, NM_001407854.1, NM_001407858.1 and 30 more transcripts); c.2870T>C, p.Leu957Pro (NM_001407685.1, NM_001407686.1, NM_001407687.1 and 11 more transcripts); c.2855T>C, p.Leu952Pro (NM_001407692.1, NM_001407694.1, NM_001407695.1 and 29 more transcripts); c.2852T>C, p.Leu951Pro (NM_001407740.1, NM_001407741.1, NM_001407742.1 and 20 more transcripts); c.2993T>C, p.Leu998Pro (NM_001407860.1, NM_001407861.1, NM_001407587.1 and 22 more transcripts); and 41 more; short protein forms L871P, L872P, L888P, L911P, L928P, L952P, L996P, L703P.
Identifiers: ClinVar variation 3261462 (VCV003261462.2).
Genomic context (GRCh38, chr17:43,092,535, plus strand): 5'-ATGTTCTCATTTCCCATTTCTCTTTCAGGTGACATTGAATGTTCCTCAAAGTTTTCCTCT[A>G]GCAGATTTTTCTTACATTTAGTTTTAACAAATGACTTGATGGGAAAAAGTGGTGGTATAC-3'
Protein context (NP_009225.1, residues 989-1009): FVKTKCKKNL[Leu999Pro]EENFEEHSMS